The following is an entry in ClinVar:

NM_012123.4(MTO1):c.1129+140TTTG[6]

Gene: MTO1 (mitochondrial tRNA translation optimization 1; plus strand). Cytogenetic location: 6q13.
Variant type: Microsatellite.
Coding change: c.1129+140TTTG[6] on transcript NM_012123.4 (MANE Select); six copies in a row of the 4-base unit TTTG starting at c.1129+140.
Molecular consequence: intron variant.
Genome position: GRCh38 VCF-style: chr6-73480265-T-TTTTG. GRCh37 (hg19) VCF-style: chr6-74189988-T-TTTTG.
Other names: c.1130-27TTTG[6] (NM_133645.3); c.1129+140TTTG[6] (NM_001123226.2).
Identifiers: ClinVar variation 3353856 (VCV003353856.1).
Genomic context (GRCh38, chr6:73,480,265, plus strand): 5'-ATTGTTGTTCAGAGCCTCAGAAGATGAAGCCCAACACCTATACATTTTAAATAGTCTGTT[T>TTTTG]TTTGTTTGTTTGTTTGTTTGTTTTGAGACGGAGTTTTGCTCTTGTTGCCCAGGATGGAGT-3'

ClinVar aggregate classification (germline): Likely benign (0 of 4 stars; one submission).

Conditions:
MTO1-related disorder. Also called: MTO1-related condition.

Submission:

PreventionGenetics, part of Exact Sciences
Classification: Likely benign for MTO1-related condition. Last evaluated: 2024-07-29. Review status: no assertion criteria provided. Collection method: clinical testing. Allele origin: germline.
Comment: This variant is classified as likely benign based on ACMG/AMP sequence variant interpretation guidelines (Richards et al. 2015 PMID: 25741868, with internal and published modifications).